The following is an entry in ClinVar:

NM_020117.11(LARS1):c.98A>G (p.Asn33Ser)

Genes: LARS1 (leucyl-tRNA synthetase 1; minus strand), LOC129389388 (MPRA-validated peak5521 silencer; plus strand). Cytogenetic location: 5q32.
Variant type: single nucleotide variant.
Coding change: c.98A>G on transcript NM_020117.11 (MANE Select); coding-DNA position 98, A replaced by G.
Protein change: p.Asn33Ser; replaces asparagine 33 with serine.
Molecular consequence: missense variant. On other transcripts: intron variant (1).
Genome position (GRCh38, 1-based): chr5:146,177,574, T>C on the plus strand (A>G on the coding strand, the complement: LARS1 is on the minus strand). VCF-style: chr5-146177574-T-C. GRCh37 (hg19) VCF-style: chr5-145557137-T-C.
Other names: c.98A>G, p.Asn33Ser (NM_001317964.2, NM_016460.4); c.-37-4800A>G (NM_001317965.2); short protein forms N33S.
Identifiers: ClinVar variation 3776646 (VCV003776646.1).

ClinVar aggregate classification (germline): Uncertain significance (1 of 4 stars; one submission).

gnomAD v4.1: 14 of 1,589,986 alleles (0.00088%); highest among the groups gnomAD compares: Non-Finnish European, 0.0012%; no homozygotes.

Submission:

GeneDx
Classification: Uncertain significance. Last evaluated: 2024-10-07. Review status: criteria provided, single submitter. Criteria: GeneDx Variant Classification Process June 2021. Collection method: clinical testing. Allele origin: germline. Affected: yes.
Comment: Not observed at significant frequency in large population cohorts (gnomAD); In silico analysis supports a deleterious effect on splicing; In silico analysis indicates that this missense variant does not alter protein structure/function; Has not been previously published as pathogenic or benign to our knowledge